The following is an entry in ClinVar:

ClinVar aggregate classification (germline): Uncertain significance (1 of 4 stars; one submission).

Conditions:
Focal segmental glomerulosclerosis 5 (FSGS5). Identifiers: Orphanet 656, MedGen C2750475, MONDO:0013191, OMIM 613237.
Charcot-Marie-Tooth disease dominant intermediate E. Also called: CHARCOT-MARIE-TOOTH NEUROPATHY WITH FOCAL SEGMENTAL GLOMERULONEPHRITIS. Identifiers: Orphanet 93114, MedGen C4302667, MONDO:0013758, OMIM 614455.

Submission:

Labcorp Genetics (formerly Invitae), Labcorp
Classification: Uncertain significance for Charcot-Marie-Tooth disease dominant intermediate E; Focal segmental glomerulosclerosis 5. Last evaluated: 2021-09-08. Review status: criteria provided, single submitter. Criteria: Invitae Variant Classification Sherloc (09022015). Collection method: clinical testing. Allele origin: germline.
Comment: This sequence change replaces methionine with leucine at codon 109 of the INF2 protein (p.Met109Leu). The methionine residue is highly conserved and there is a small physicochemical difference between methionine and leucine. The frequency data for this variant in the population databases is considered unreliable, as metrics indicate insufficient coverage at this position in the ExAC database. This variant has not been reported in the literature in individuals affected with INF2-related conditions. Advanced modeling of protein sequence and biophysical properties (such as structural, functional, and spatial information, amino acid conservation, physicochemical variation, residue mobility, and thermodynamic stability) performed at Invitae indicates that this missense variant is expected to disrupt INF2 protein function. In summary, the available evidence is currently insufficient to determine the role of this variant in disease. Therefore, it has been classified as a Variant of Uncertain Significance.

NM_022489.4(INF2):c.325A>T (p.Met109Leu)

Gene: INF2 (inverted formin 2; plus strand). Cytogenetic location: 14q32.33.
Variant type: single nucleotide variant.
Coding change: c.325A>T on transcript NM_022489.4 (MANE Select); coding-DNA position 325, A replaced by T.
Protein change: p.Met109Leu; replaces methionine 109 with leucine.
Molecular consequence: missense variant.
Genome position (GRCh38, 1-based): chr14:104,701,690, A>T. VCF-style: chr14-104701690-A-T. GRCh37 (hg19) VCF-style: chr14-105168027-A-T.
Other names: c.325A>T, p.Met109Leu (NM_001031714.4, NM_032714.3); short protein forms M109L.
Identifiers: ClinVar variation 1489186 (VCV001489186.6), dbSNP rs1889510098, ClinGen allele CA391225880.